The following is an entry in ClinVar:

ClinVar aggregate classification (germline): Likely benign (0 of 4 stars; one submission).

Conditions:
ISL1-related disorder. Also called: ISL1-related condition.

gnomAD v4.1: 5 of 1,614,240 alleles (0.00031%); highest among the groups gnomAD compares: Admixed American, 0.0033%; no homozygotes.

Submission:

PreventionGenetics, part of Exact Sciences
Classification: Likely benign for ISL1-related condition. Last evaluated: 2023-04-11. Review status: no assertion criteria provided. Collection method: clinical testing. Allele origin: germline.
Comment: This variant is classified as likely benign based on ACMG/AMP sequence variant interpretation guidelines (Richards et al. 2015 PMID: 25741868, with internal and published modifications).

NM_002202.3(ISL1):c.363G>A (p.Ala121=)

Gene: ISL1 (ISL LIM homeobox 1; plus strand). Cytogenetic location: 5q11.1.
Variant type: single nucleotide variant.
Coding change: c.363G>A on transcript NM_002202.3 (MANE Select); coding-DNA position 363, G replaced by A.
Protein change: p.Ala121=; no amino-acid change (alanine 121 retained).
Molecular consequence: synonymous variant.
Genome position (GRCh38, 1-based): chr5:51,387,634, G>A. VCF-style: chr5-51387634-G-A. GRCh37 (hg19) VCF-style: chr5-50683468-G-A.
Identifiers: ClinVar variation 3353745 (VCV003353745.1).
Genomic context (GRCh38, chr5:51,387,634, plus strand): 5'-CATCGAGTGTTTCCGCTGTGTGGCCTGCAGCCGCCAGCTCATCCCTGGGGACGAATTTGC[G>A]CTTCGGGAGGACGGTCTCTTCTGCCGAGCAGACCACGATGTGGTGGAGAGGGCCAGTCTA-3'
Protein context (NP_002193.2, residues 111-131): SRQLIPGDEF[Ala121=]LREDGLFCRA